The following is an entry in ClinVar:

NM_000035.4(ALDOB):c.334G>A (p.Gly112Arg)

Gene: ALDOB (aldolase, fructose-bisphosphate B; minus strand). Cytogenetic location: 9q31.1.
Variant type: single nucleotide variant.
Coding change: c.334G>A on transcript NM_000035.4 (MANE Select); coding-DNA position 334, G replaced by A.
Protein change: p.Gly112Arg; replaces glycine 112 with arginine.
Molecular consequence: missense variant.
Genome position (GRCh38, 1-based): chr9:101,428,514, C>T on the plus strand (G>A on the coding strand, the complement: ALDOB is on the minus strand). VCF-style: chr9-101428514-C-T. GRCh37 (hg19) VCF-style: chr9-104190796-C-T.
Other names: c.334G>A, p.Gly112Arg (LRG_1244t1); short protein forms G112R.
Identifiers: ClinVar variation 594632 (VCV000594632.12), dbSNP rs373330514, ClinGen allele CA5161651.

ClinVar aggregate classification (germline): Uncertain significance. Review status: criteria provided, multiple submitters, no conflicts (2 of 4 stars). 4 submissions from 4 submitters: Uncertain significance (4). Last evaluated 2025-09-25.

Conditions:
Inborn genetic diseases. Identifiers: MedGen C0950123, MeSH D030342.
Hereditary fructosuria. Also called: ALDOB DEFICIENCY; ALDOLASE B DEFICIENCY; FRUCTOSE-1,6-BISPHOSPHATE ALDOLASE B DEFICIENCY; FRUCTOSE-1-PHOSPHATE ALDOLASE DEFICIENCY; FRUCTOSEMIA; Hereditary fructose intolerance. Identifiers: Orphanet 469, MedGen C0016751, MONDO:0009249, OMIM 229600, HP:0005973. Disease mechanism: loss of function.

Allele frequency attached by ClinVar (database versions not stated): gnomAD exomes 0.00002 and 0.00006; ExAC 0.00007; ESP Exome Variant Server 0.00008; 1000 Genomes Project 30x 0.00016; gnomAD 0.00019 and 0.00021; 1000 Genomes Project 0.00020; TOPMed 0.00030.
gnomAD v4.1: 62 of 1,613,838 alleles (0.0038%); highest among the groups gnomAD compares: African/African-American, 0.073%; no homozygotes.

Submissions (4):

GeneDx
Classification: Uncertain significance. Last evaluated: 2025-09-25. Review status: criteria provided, single submitter. Criteria: GeneDx Variant Classification Process June 2021. Collection method: clinical testing. Allele origin: germline. Affected: yes.
Comment: In silico analysis supports that this missense variant has a deleterious effect on protein structure/function; Has not been previously published as pathogenic or benign to our knowledge

Labcorp Genetics (formerly Invitae), Labcorp
Classification: Uncertain significance for Hereditary fructosuria. Last evaluated: 2022-03-12. Review status: criteria provided, single submitter. Criteria: Invitae Variant Classification Sherloc (09022015). Collection method: clinical testing. Allele origin: germline.
Comment: This sequence change replaces glycine, which is neutral and non-polar, with arginine, which is basic and polar, at codon 112 of the ALDOB protein (p.Gly112Arg). This variant is present in population databases (rs373330514, gnomAD 0.09%). This variant has not been reported in the literature in individuals affected with ALDOB-related conditions. ClinVar contains an entry for this variant (Variation ID: 594632). Algorithms developed to predict the effect of missense changes on protein structure and function are either unavailable or do not agree on the potential impact of this missense change (SIFT: "Deleterious"; PolyPhen-2: "Probably Damaging"; Align-GVGD: "Class C0"). In summary, the available evidence is currently insufficient to determine the role of this variant in disease. Therefore, it has been classified as a Variant of Uncertain Significance.

Ambry Genetics
Classification: Uncertain significance for Inborn genetic diseases. Last evaluated: 2021-05-24. Review status: criteria provided, single submitter. Criteria: Ambry Variant Classification Scheme 2023. Collection method: clinical testing. Allele origin: germline.

Eurofins Ntd Llc (ga)
Classification: Uncertain significance. Last evaluated: 2017-10-18. Review status: criteria provided, single submitter. Criteria: EGL Classification Definitions 2015. Collection method: clinical testing. Allele origin: germline. Observed: 1 variant allele, 1 heterozygote.